The following is an entry in ClinVar:

ClinVar aggregate classification (germline): Uncertain significance. Review status: criteria provided, multiple submitters, no conflicts (2 of 4 stars). 2 submissions from 2 submitters: Uncertain significance (2). Last evaluated 2024-07-31.

Conditions:
Deficiency of acetyl-CoA acetyltransferase. Also called: 3-KETOTHIOLASE DEFICIENCY; 3-OXOTHIOLASE DEFICIENCY; Beta-ketothiolase deficiency; MITOCHONDRIAL ACETOACETYL-CoA THIOLASE DEFICIENCY. Identifiers: Orphanet 134, MedGen C1536500, MONDO:0008760, OMIM 203750. Disease mechanism: loss of function.

Submissions (2):

Labcorp Genetics (formerly Invitae), Labcorp
Classification: Uncertain significance for Deficiency of acetyl-CoA acetyltransferase. Last evaluated: 2024-07-31. Review status: criteria provided, single submitter. Criteria: Invitae Variant Classification Sherloc (09022015). Collection method: clinical testing. Allele origin: germline.
Comment: This sequence change replaces threonine, which is neutral and polar, with isoleucine, which is neutral and non-polar, at codon 285 of the ACAT1 protein (p.Thr285Ile). This variant is not present in population databases (gnomAD no frequency). This missense change has been observed in individual(s) with beta-ketothiolase deficiency (PMID: 24516753). ClinVar contains an entry for this variant (Variation ID: 666509). Advanced modeling of protein sequence and biophysical properties (such as structural, functional, and spatial information, amino acid conservation, physicochemical variation, residue mobility, and thermodynamic stability) performed at Invitae indicates that this missense variant is expected to disrupt ACAT1 protein function with a positive predictive value of 80%. In summary, the available evidence is currently insufficient to determine the role of this variant in disease. Therefore, it has been classified as a Variant of Uncertain Significance.

Department of Pediatrics, Gifu University
Classification: Uncertain significance for Deficiency of acetyl-CoA acetyltransferase. Last evaluated: 2019-05-05. Review status: criteria provided, single submitter. Criteria: ACMG Guidelines, 2015. Collection method: literature only. Allele origin: germline. Observed: 1 variant allele.

Literature cited by the submitters: PubMed 24516753 (cited by Labcorp Genetics (formerly Invitae), Labcorp); PubMed 31268215 (cited by Department of Pediatrics, Gifu University).

NM_000019.4(ACAT1):c.854C>T (p.Thr285Ile)

Gene: ACAT1 (acetyl-CoA acetyltransferase 1; plus strand). Cytogenetic location: 11q22.3.
Variant type: single nucleotide variant.
Coding change: c.854C>T on transcript NM_000019.4 (MANE Select); coding-DNA position 854, C replaced by T.
Protein change: p.Thr285Ile; replaces threonine 285 with isoleucine.
Molecular consequence: missense variant.
Genome position (GRCh38, 1-based): chr11:108,142,464, C>T. VCF-style: chr11-108142464-C-T. GRCh37 (hg19) VCF-style: chr11-108013191-C-T.
Other names: short protein forms T285I.
Identifiers: ClinVar variation 666509 (VCV000666509.7), dbSNP rs1239221388, ClinGen allele CA382508000.